The following is an entry in ClinVar:

NM_005045.4(RELN):c.3619_3620inv (p.Glu1207Ser)

Gene: RELN (reelin; minus strand). Cytogenetic location: 7q22.1.
Variant type: Inversion.
Coding change: c.3619_3620inv on transcript NM_005045.4 (MANE Select).
Protein change: p.Glu1207Ser; replaces glutamic acid 1207 with serine.
Molecular consequence: missense variant.
Genome position: GRCh38 VCF-style: chr7-103594412-TC-GA. GRCh37 (hg19) VCF-style: chr7-103234859-TC-GA.
Other names: c.3619_3620delinsTC (NM_005045.3); c.3619_3620inv, p.Glu1207Ser (NM_173054.3); short protein forms E1207S.
Identifiers: ClinVar variation 2927211 (VCV002927211.6), ClinGen allele CA2740097469.

ClinVar aggregate classification (germline): Uncertain significance. Review status: criteria provided, multiple submitters, no conflicts (2 of 4 stars). 2 submissions from 2 submitters: Uncertain significance (2). Last evaluated 2026-07-22.

Conditions:
Norman-Roberts syndrome (LIS2). Also called: Lissencephaly 2 (Norman-Roberts type). Identifiers: Orphanet 89844, MedGen C0796089, MONDO:0009760, OMIM 257320.
Familial temporal lobe epilepsy 7. Identifiers: Orphanet 101046, MedGen C4225327, MONDO:0014639, OMIM 616436.
RELN-related disorder. Also called: RELN-related condition.

Submissions (2):

PreventionGenetics, part of Exact Sciences
Classification: Uncertain significance for RELN-related condition. Last evaluated: 2026-07-22. Review status: criteria provided, single submitter. Criteria: ACMG Guidelines, 2015. Collection method: clinical testing. Allele origin: germline.
Comment: The RELN c.3619_3620delinsTC variant is predicted to result in an in-frame deletion and insertion. To our knowledge, this variant has not been reported in the literature. This variant was not reported in gnomAD v2. However, in gnomAD v4 (available only on GRCh38), this variant is reported as two separate calls in 0.003% of alleles in the Admixed American subpopulation (GRCh38 coordinates: 7-103594412-T-G; 7-103594413-C-A). At this time, the clinical significance of this variant is uncertain due to the absence of conclusive functional and genetic evidence.

Labcorp Genetics (formerly Invitae), Labcorp
Classification: Uncertain significance for Familial temporal lobe epilepsy 7; Norman-Roberts syndrome. Last evaluated: 2025-01-23. Review status: criteria provided, single submitter. Criteria: Invitae Variant Classification Sherloc (09022015). Collection method: clinical testing. Allele origin: germline.
Comment: This sequence change replaces glutamic acid, which is acidic and polar, with serine, which is neutral and polar, at codon 1207 of the RELN protein (p.Glu1207Ser). Information on the frequency of this variant in the gnomAD database is not available, as this variant may be reported differently in the database. This variant has not been reported in the literature in individuals affected with RELN-related conditions. ClinVar contains an entry for this variant (Variation ID: 2927211). An algorithm developed to predict the effect of missense changes on protein structure and function (PolyPhen-2) suggests that this variant is likely to be disruptive. In summary, the available evidence is currently insufficient to determine the role of this variant in disease. Therefore, it has been classified as a Variant of Uncertain Significance.